The following is an entry in ClinVar:

NM_002471.4(MYH6):c.2426G>A (p.Arg809His)

Gene: MYH6 (myosin heavy chain 6; minus strand). Cytogenetic location: 14q11.2.
Variant type: single nucleotide variant.
Coding change: c.2426G>A on transcript NM_002471.4 (MANE Select); coding-DNA position 2426, G replaced by A.
Protein change: p.Arg809His; replaces arginine 809 with histidine.
Molecular consequence: missense variant.
Genome position (GRCh38, 1-based): chr14:23,396,287, C>T on the plus strand (G>A on the coding strand, the complement: MYH6 is on the minus strand). VCF-style: chr14-23396287-C-T. GRCh37 (hg19) VCF-style: chr14-23865496-C-T.
Other names: short protein forms R809H.
Identifiers: ClinVar variation 470513 (VCV000470513.13), dbSNP rs780036697, ClinGen allele CA7115474.
Genomic context (GRCh38, chr14:23,396,287, plus strand): 5'-CATTGCGGATCTGCCTCTACATCTCTAGTGCATGCCTCCCTTTTCCTCCTGTCTCACCTG[C>T]GTTCCACTATCTTCTTGAACTCAATGCGCATGAGCTGGCCCCGGGCTTGGGCCTGCATGC-3'
Protein context (NP_002462.2, residues 799-819): MRIEFKKIVE[Arg809His]RDALLVIQWN

ClinVar aggregate classification (germline): Uncertain significance. Review status: criteria provided, multiple submitters, no conflicts (2 of 4 stars). 4 submissions from 4 submitters: Uncertain significance (4). Last evaluated 2026-03-26.

Conditions:
MYH6-related disorder. Also called: MYH6-Related Disorders; MYH6-related condition.
Cardiovascular phenotype. Identifiers: MedGen CN230736.
Hypertrophic cardiomyopathy 14. Identifiers: MedGen C2750467, MONDO:0013197, OMIM 613251.

Allele frequency attached by ClinVar (database versions not stated): ExAC 0.00001; gnomAD 0.00001; TOPMed 0.00001; gnomAD exomes 0.00002.
gnomAD v4.1: 38 of 1,614,030 alleles (0.0024%); highest among the groups gnomAD compares: East Asian, 0.0067%; no homozygotes.

Submissions (4):

PreventionGenetics, part of Exact Sciences
Classification: Uncertain significance for MYH6-related condition. Last evaluated: 2026-03-26. Review status: criteria provided, single submitter. Criteria: ACMG Guidelines, 2015. Collection method: clinical testing. Allele origin: germline.
Comment: The MYH6 c.2426G>A variant is predicted to result in the amino acid substitution p.Arg809His. To our knowledge, this variant has not been reported in the literature in individuals with MYH6-related disorders. This variant is reported in 0.010% of alleles in individuals of East Asian descent in gnomAD. At this time, the clinical significance of this variant is uncertain due to the absence of conclusive functional and genetic evidence.

Labcorp Genetics (formerly Invitae), Labcorp
Classification: Uncertain significance for Hypertrophic cardiomyopathy 14. Last evaluated: 2025-07-02. Review status: criteria provided, single submitter. Criteria: Invitae Variant Classification Sherloc (09022015). Collection method: clinical testing. Allele origin: germline.
Comment: This sequence change replaces arginine, which is basic and polar, with histidine, which is basic and polar, at codon 809 of the MYH6 protein (p.Arg809His). This variant is present in population databases (rs780036697, gnomAD 0.01%). This variant has not been reported in the literature in individuals affected with MYH6-related conditions. ClinVar contains an entry for this variant (Variation ID: 470513). Invitae Evidence Modeling of protein sequence and biophysical properties (such as structural, functional, and spatial information, amino acid conservation, physicochemical variation, residue mobility, and thermodynamic stability) indicates that this missense variant is expected to disrupt MYH6 protein function with a positive predictive value of 80%. In summary, the available evidence is currently insufficient to determine the role of this variant in disease. Therefore, it has been classified as a Variant of Uncertain Significance.

GeneDx
Classification: Uncertain significance. Last evaluated: 2023-10-12. Review status: criteria provided, single submitter. Criteria: GeneDx Variant Classification Process June 2021. Collection method: clinical testing. Allele origin: germline.
Comment: Reported in a proband with micropenis who harbors a homozygous variant in the SRD5A2 that is likely causative for this phenotype, but detailed clinical information and familial segregation were not provided (Wang et al., 2018); In silico analysis supports that this missense variant has a deleterious effect on protein structure/function; This variant is associated with the following publications: (PMID: 30681346, 32579932, 29582157)

Ambry Genetics
Classification: Uncertain significance for Cardiovascular phenotype. Last evaluated: 2022-07-12. Review status: criteria provided, single submitter. Criteria: Ambry Variant Classification Scheme 2023. Collection method: clinical testing. Allele origin: germline.
Comment: The p.R809H variant (also known as c.2426G>A), located in coding exon 18 of the MYH6 gene, results from a G to A substitution at nucleotide position 2426. The arginine at codon 809 is replaced by histidine, an amino acid with highly similar properties. This variant was detected in an individual from a disorders of sexual development cohort; however, cardiovascular history was not provided (Wang H et al. Hum. Genet., 2018 Mar;137:265-277). This amino acid position is highly conserved in available vertebrate species. In addition, the in silico prediction for this alteration is inconclusive. Since supporting evidence is limited at this time, the clinical significance of this alteration remains unclear.

Literature cited by the submitters: PubMed 29582157 (cited by Ambry Genetics).